The following is an entry in ClinVar:

NM_001080.3(ALDH5A1):c.250G>A (p.Gly84Ser)

Genes: ALDH5A1 (aldehyde dehydrogenase 5 family member A1; plus strand), GPLD1 (glycosylphosphatidylinositol specific phospholipase D1; minus strand), LOC129995978 (ATAC-STARR-seq lymphoblastoid silent region 16989; plus strand). Cytogenetic location: 6p22.3.
Variant type: single nucleotide variant.
Coding change: c.250G>A on transcript NM_001080.3 (MANE Select); coding-DNA position 250, G replaced by A.
Protein change: p.Gly84Ser; replaces glycine 84 with serine.
Molecular consequence: missense variant.
Genome position (GRCh38, 1-based): chr6:24,495,246, G>A. VCF-style: chr6-24495246-G-A. GRCh37 (hg19) VCF-style: chr6-24495474-G-A.
Other names: c.250G>A, p.Gly84Ser (NM_001368954.1, NM_170740.1); short protein forms G84S.
Identifiers: ClinVar variation 1422649 (VCV001422649.8), dbSNP rs1034294766, ClinGen allele CA362968531.
Genomic context (GRCh38, chr6:24,495,246, plus strand): 5'-TTCGTGGGCGGCCGCTGGCTCCCGGCCGCCGCCACCTTCCCCGTGCAAGACCCGGCCAGC[G>A]GCGCCGCTCTGGGCATGGTAGCCGACTGCGGGGTGCGAGAGGCCCGCGCCGCCGTGCGCG-3'
Protein context (NP_001071.1, residues 74-94): ATFPVQDPAS[Gly84Ser]AALGMVADCG

ClinVar aggregate classification (germline): Uncertain significance (1 of 4 stars; one submission).

Conditions:
Succinate-semialdehyde dehydrogenase deficiency (SSADHD). Also called: GABA METABOLIC DEFECT; 4-HYDROXYBUTYRIC ACIDURIA; Succinic Semialdehyde Dehydrogenase Deficiency; SSADH DEFICIENCY. Identifiers: Orphanet 22, MedGen C0268631, MONDO:0010083, OMIM 271980.

gnomAD v4.1: 3 of 1,524,542 alleles (0.0002%); highest among the groups gnomAD compares: Non-Finnish European, 0.00017%; no homozygotes.

Submission:

Labcorp Genetics (formerly Invitae), Labcorp
Classification: Uncertain significance for Succinate-semialdehyde dehydrogenase deficiency. Last evaluated: 2022-08-09. Review status: criteria provided, single submitter. Criteria: Invitae Variant Classification Sherloc (09022015). Collection method: clinical testing. Allele origin: germline.
Comment: This variant has not been reported in the literature in individuals affected with ALDH5A1-related conditions. ClinVar contains an entry for this variant (Variation ID: 1422649). Advanced modeling of protein sequence and biophysical properties (such as structural, functional, and spatial information, amino acid conservation, physicochemical variation, residue mobility, and thermodynamic stability) performed at Invitae indicates that this missense variant is expected to disrupt ALDH5A1 protein function. In summary, the available evidence is currently insufficient to determine the role of this variant in disease. Therefore, it has been classified as a Variant of Uncertain Significance. This variant is not present in population databases (gnomAD no frequency). This sequence change replaces glycine, which is neutral and non-polar, with serine, which is neutral and polar, at codon 84 of the ALDH5A1 protein (p.Gly84Ser).